The following is an entry in ClinVar:

NM_001605.3(AARS1):c.1478C>G (p.Ser493Cys)

Gene: AARS1 (alanyl-tRNA synthetase 1; minus strand). Cytogenetic location: 16q22.1.
Variant type: single nucleotide variant.
Coding change: c.1478C>G on transcript NM_001605.3 (MANE Select); coding-DNA position 1478, C replaced by G.
Protein change: p.Ser493Cys; replaces serine 493 with cysteine.
Molecular consequence: missense variant.
Genome position (GRCh38, 1-based): chr16:70,264,972, G>C on the plus strand (C>G on the coding strand, the complement: AARS1 is on the minus strand). VCF-style: chr16-70264972-G-C. GRCh37 (hg19) VCF-style: chr16-70298875-G-C.
Other names: short protein forms S493C.
Identifiers: ClinVar variation 1800177 (VCV001800177.2), dbSNP rs1198765558, ClinGen allele CA396561126.

ClinVar aggregate classification (germline): Uncertain significance (1 of 4 stars; one submission).

Conditions:
Inborn genetic diseases. Identifiers: MedGen C0950123, MeSH D030342.

gnomAD v4.1: 4 of 1,614,104 alleles (0.00025%); highest among the groups gnomAD compares: Middle Eastern, 0.016%; no homozygotes.

Submission:

Ambry Genetics
Classification: Uncertain significance for Inborn genetic diseases. Last evaluated: 2020-11-10. Review status: criteria provided, single submitter. Criteria: Ambry Variant Classification Scheme 2023. Collection method: clinical testing. Allele origin: germline.
Comment: The p.S493C variant (also known as c.1478C>G), located in coding exon 10 of the AARS gene, results from a C to G substitution at nucleotide position 1478. The serine at codon 493 is replaced by cysteine, an amino acid with dissimilar properties. This amino acid position is poorly conserved in available vertebrate species. In addition, this alteration is predicted to be tolerated by in silico analysis. Since supporting evidence is limited at this time, the clinical significance of this alteration remains unclear.